The following is an entry in ClinVar:

NM_001184.4(ATR):c.1658C>T (p.Ser553Phe)

Gene: ATR (ATR checkpoint kinase; minus strand). Cytogenetic location: 3q23.
Variant type: single nucleotide variant.
Coding change: c.1658C>T on transcript NM_001184.4 (MANE Select); coding-DNA position 1658, C replaced by T.
Protein change: p.Ser553Phe; replaces serine 553 with phenylalanine.
Molecular consequence: missense variant.
Genome position (GRCh38, 1-based): chr3:142,559,325, G>A on the plus strand (C>T on the coding strand, the complement: ATR is on the minus strand). VCF-style: chr3-142559325-G-A. GRCh37 (hg19) VCF-style: chr3-142278167-G-A.
Other names: c.1466C>T, p.Ser489Phe (NM_001354579.2); short protein forms S489F, S553F.
Identifiers: ClinVar variation 1777397 (VCV001777397.3), dbSNP rs952177176, ClinGen allele CA84753162.

ClinVar aggregate classification (germline): Uncertain significance (1 of 4 stars; one submission).

Conditions:
Inborn genetic diseases. Identifiers: MedGen C0950123, MeSH D030342.

Allele frequency attached by ClinVar (database versions not stated): TOPMed below 0.00001.

Submission:

Ambry Genetics
Classification: Uncertain significance for Inborn genetic diseases. Last evaluated: 2024-06-09. Review status: criteria provided, single submitter. Criteria: Ambry Variant Classification Scheme 2023. Collection method: clinical testing. Allele origin: germline.
Comment: The p.S553F variant (also known as c.1658C>T), located in coding exon 7 of the ATR gene, results from a C to T substitution at nucleotide position 1658. The serine at codon 553 is replaced by phenylalanine, an amino acid with highly dissimilar properties. This amino acid position is conserved. In addition, this alteration is predicted to be tolerated by in silico analysis. Since supporting evidence is limited at this time, the clinical significance of this alteration remains unclear.